The following is an entry in ClinVar:

NM_006059.4(LAMC3):c.1533G>A (p.Trp511Ter)

Gene: LAMC3 (laminin subunit gamma 3; plus strand). Cytogenetic location: 9q34.12.
Variant type: single nucleotide variant.
Coding change: c.1533G>A on transcript NM_006059.4 (MANE Select); coding-DNA position 1533, G replaced by A.
Protein change: p.Trp511Ter; replaces tryptophan 511 with a stop codon.
Molecular consequence: nonsense.
Genome position (GRCh38, 1-based): chr9:131,049,033, G>A. VCF-style: chr9-131049033-G-A. GRCh37 (hg19) VCF-style: chr9-133924420-G-A.
Other names: short protein forms W511*.
Identifiers: ClinVar variation 2812679 (VCV002812679.3), dbSNP rs1350575526, ClinGen allele CA375263032.
Genomic context (GRCh38, chr9:131,049,033, plus strand): 5'-CTCCGGGGCCTCACACTGATCGGGGGGTGTCTGTGTTTGCTGTCTAGGAGCCGAAGGCTG[G>A]TGGGCCAGAAGTGTGGGGGGCTCTGAGCACCCCCCACAATGGAGCCCAAATGGGGTCCTC-3'

ClinVar aggregate classification (germline): Pathogenic (1 of 4 stars; one submission).

Allele frequency attached by ClinVar (database versions not stated): gnomAD 0.00001.

Submission:

Labcorp Genetics (formerly Invitae), Labcorp
Classification: Pathogenic. Last evaluated: 2025-05-02. Review status: criteria provided, single submitter. Criteria: Invitae Variant Classification Sherloc (09022015). Collection method: clinical testing. Allele origin: germline.
Comment: This sequence change creates a premature translational stop signal (p.Trp511*) in the LAMC3 gene. It is expected to result in an absent or disrupted protein product. Loss-of-function variants in LAMC3 are known to be pathogenic (PMID: 21572413, 26802095). This variant is not present in population databases (gnomAD no frequency). This variant has not been reported in the literature in individuals affected with LAMC3-related conditions. ClinVar contains an entry for this variant (Variation ID: 2812679). For these reasons, this variant has been classified as Pathogenic.

Literature cited by the submitters: PubMed 21572413; PubMed 26802095.